The following is an entry in ClinVar:

NM_173076.3(ABCA12):c.1221del (p.Lys407fs)

Gene: ABCA12 (ATP binding cassette subfamily A member 12; minus strand). Cytogenetic location: 2q35.
Variant type: Deletion.
Coding change: c.1221del on transcript NM_173076.3 (MANE Select); coding-DNA position 1221, one base deleted (A; older notation c.1221delA).
Protein change: p.Lys407fs; shifts the reading frame from lysine 407.
Molecular consequence: frameshift variant. On other transcripts: non-coding transcript variant (1).
Genome position (GRCh38, 1-based): chr2:215,025,739, T deleted on the plus strand (A on the coding strand, the reverse complement: ABCA12 is on the minus strand); the first of 6 consecutive T bases (chr2:215,025,739-215,025,744); deleting any one gives the same sequence. VCF-style (leftmost placement, unchanged base first): chr2-215025738-AT-A. GRCh37 (hg19) VCF-style: chr2-215890462-AT-A.
Other names: c.267del, p.Lys89fs (NM_015657.4); short protein forms K407fs, K89fs.
Identifiers: ClinVar variation 3646751 (VCV003646751.2).
Genomic context (GRCh38, chr2:215,025,738, plus strand): 5'-ATTTTAGGACTTCAGGAACTGGAGGAAAGTAATCTTCATAGGAACCATTGCGAAGAAAAG[AT>A]TTTTTAAATCGTATTGTGGACTGCAGGAGTCTTAGATTTTCTGTAAAGGAAGGGAGAAGA-3'

ClinVar aggregate classification (germline): Pathogenic (1 of 4 stars; one submission).

Submission:

Labcorp Genetics (formerly Invitae), Labcorp
Classification: Pathogenic. Last evaluated: 2024-03-19. Review status: criteria provided, single submitter. Criteria: Invitae Variant Classification Sherloc (09022015). Collection method: clinical testing. Allele origin: germline.
Comment: This sequence change creates a premature translational stop signal (p.Lys407Asnfs*20) in the ABCA12 gene. It is expected to result in an absent or disrupted protein product. Loss-of-function variants in ABCA12 are known to be pathogenic (PMID: 20672373). This variant is not present in population databases (gnomAD no frequency). This variant has not been reported in the literature in individuals affected with ABCA12-related conditions. For these reasons, this variant has been classified as Pathogenic.

Literature cited by the submitters: PubMed 20672373.